The following is an entry in ClinVar:

NM_173660.5(DOK7):c.28del (p.Gln10fs)

Gene: DOK7 (docking protein 7; plus strand). Cytogenetic location: 4p16.3.
Variant type: Deletion.
Coding change: c.28del on transcript NM_173660.5 (MANE Select); coding-DNA position 28, one base deleted (C; older notation c.28delC).
Protein change: p.Gln10fs; shifts the reading frame from glutamine 10.
Molecular consequence: frameshift variant.
Genome position (GRCh38, 1-based): chr4:3,463,403, C deleted; the last of 2 consecutive C bases (chr4:3,463,402-3,463,403); deleting either gives the same sequence. VCF-style (leftmost placement, unchanged base first): chr4-3463401-GC-G. GRCh37 (hg19) VCF-style: chr4-3465128-GC-G.
Other names: c.28del, p.Gln10fs (NM_001164673.2, NM_001301071.2, NM_001363811.2); short protein forms Q10fs.
Identifiers: ClinVar variation 654355 (VCV000654355.12), dbSNP rs1560200925, ClinGen allele CA914899895.

ClinVar aggregate classification (germline): Pathogenic/Likely pathogenic. Review status: criteria provided, multiple submitters, no conflicts (2 of 4 stars). 4 submissions from 4 submitters: Pathogenic (2); Likely pathogenic (2). Last evaluated 2025-09-01.

Conditions:
Congenital myasthenic syndrome 10. Also called: Myasthenia, limb-girdle, familial. Identifiers: Orphanet 590, MedGen C1850792, MONDO:0009690, OMIM 254300.
Fetal akinesia deformation sequence 3. Identifiers: MedGen C4760599, MONDO:0100103, OMIM 618389.
Inborn genetic diseases. Identifiers: MedGen C0950123, MeSH D030342.
Fetal akinesia deformation sequence 1 (FADS1). Also called: Pena-Shokeir syndrome type I; Fetal akinesia sequence. Identifiers: Orphanet 994, MedGen C1276035, MONDO:0100101, OMIM 208150, HP:0001989.

Submissions (4):

Labcorp Genetics (formerly Invitae), Labcorp
Classification: Pathogenic for Congenital myasthenic syndrome 10; Fetal akinesia deformation sequence 1. Last evaluated: 2025-09-01. Review status: criteria provided, single submitter. Criteria: Invitae Variant Classification Sherloc (09022015). Collection method: clinical testing. Allele origin: germline.
Comment: This sequence change creates a premature translational stop signal (p.Gln10Argfs*28) in the DOK7 gene. It is expected to result in an absent or disrupted protein product. Loss-of-function variants in DOK7 are known to be pathogenic (PMID: 16794080, 16917026, 18626973, 19261599). This variant is not present in population databases (gnomAD no frequency). This variant has not been reported in the literature in individuals affected with DOK7-related conditions. ClinVar contains an entry for this variant (Variation ID: 654355). For these reasons, this variant has been classified as Pathogenic.

Fulgent Genetics
Classification: Likely pathogenic for Congenital myasthenic syndrome 10; Fetal akinesia deformation sequence 3. Last evaluated: 2024-03-28. Review status: criteria provided, single submitter. Criteria: ACMG Guidelines, 2015. Collection method: clinical testing. Allele origin: germline.

Baylor Genetics
Classification: Likely pathogenic for Fetal akinesia deformation sequence 3. Last evaluated: 2023-08-31. Review status: criteria provided, single submitter. Criteria: ACMG Guidelines, 2015. Collection method: clinical testing. Allele origin: unknown.

Ambry Genetics
Classification: Pathogenic for Inborn genetic diseases. Last evaluated: 2018-05-17. Review status: criteria provided, single submitter. Criteria: Ambry exome assertion method (8-5-2015). Collection method: clinical testing. Allele origin: germline. Affected: yes. Observed: 1 variant allele.

Literature cited by the submitters: PubMed 16794080 (cited by Labcorp Genetics (formerly Invitae), Labcorp); PubMed 16917026 (cited by Labcorp Genetics (formerly Invitae), Labcorp); PubMed 18626973 (cited by Labcorp Genetics (formerly Invitae), Labcorp); PubMed 19261599 (cited by Labcorp Genetics (formerly Invitae), Labcorp).